The following is an entry in ClinVar:

ClinVar aggregate classification (germline): Pathogenic/Likely pathogenic. Review status: criteria provided, multiple submitters, no conflicts (2 of 4 stars). 12 submissions from 12 submitters: Pathogenic (7); Likely pathogenic (3). 2 of the submissions do not count toward it. Last evaluated 2026-03-19.

Conditions:
GRHPR-related disorders.
Primary hyperoxaluria, type II (HP2). Also called: D-GLYCERATE DEHYDROGENASE DEFICIENCY; GLYCERIC ACIDURIA; GLYOXYLATE REDUCTASE/HYDROXYPYRUVATE REDUCTASE DEFICIENCY; Primary hyperoxaluria type 2; OXALOSIS II. Identifiers: Orphanet 416, Orphanet 93599, MedGen C0268165, MONDO:0009824, OMIM 260000. Disease mechanism: loss of function.

Allele frequency attached by ClinVar (database versions not stated): ExAC 0.00002; gnomAD exomes 0.00002.
gnomAD v4.1: 7 of 1,614,032 alleles (0.00043%); highest among the groups gnomAD compares: South Asian, 0.0066%; no homozygotes.

Submissions (12):

Kasturba Medical College, Manipal, Kasturba Medical College, Manipal, Manipal Academy of Higher Education, Manipal, India
Classification: Pathogenic for Primary hyperoxaluria, type II. Last evaluated: 2026-03-19. Review status: criteria provided, single submitter. Criteria: ACMG Guidelines, 2015. Collection method: research. Allele origin: maternal. Inheritance: Autosomal recessive inheritance. Affected: yes. Observed: 1 variant allele, 1 heterozygote.
Comment: This variant is observed in heterozygous state in 7 individuals (allele frequency: 0.000004337) in the gnomAD (v4.1.0) population database. This variant was noted in an individual in heterozygous state and in homozygous state in a similarly affected individual in our in-house data of 4019 exomes. This canonical splice-site variant is likely to result in aberrant splicing and lead to either the formation of a truncated protein product or cause the transcript to undergo nonsense mediated mRNA decay.

Rare Kidney Stone Consortium and the Mayo Clinic Hyperoxaluria Center, Mayo Clinic
Classification: Pathogenic for Primary hyperoxaluria, type II. Last evaluated: 2025-10-03. Review status: criteria provided, single submitter. Criteria: ACMG Guidelines, 2015. Collection method: research. Allele origin: germline. Affected: yes. Observed: 1 variant allele.
Comment: ACMG:PVS1, PM2, PP5

Natera, Inc.
Classification: Pathogenic for Primary hyperoxaluria type II. Last evaluated: 2025-03-04. Review status: criteria provided, single submitter. Criteria: Natera Variant Classification Schema (03/2026). Collection method: clinical testing. Allele origin: germline.
Comment: The c.735-1G>A variant in GRHPR is a canonical splice acceptor site variant predicted to affect pre-mRNA splicing, which may result in an abnormal transcript and altered protein product. This variant is expected to result in nonsense mediated decay, truncation, or a dysfunctional protein product. This variant is rare in the general population with a frequency below the threshold expected for the associated phenotype(s). This variant has been observed in one or more individuals affected with the associated recessive disease, as either homozygous or compound heterozygous with a second variant (PMID: 37914965, 37187295, 11030416). Another variant at this same site results in an alteration predicted to cause a similar molecular effect has been observed in individual(s) with the associated phenotype. Given the available evidence, this variant is classified as Pathogenic.

Fulgent Genetics
Classification: Likely pathogenic for Primary hyperoxaluria, type II. Last evaluated: 2024-06-11. Review status: criteria provided, single submitter. Criteria: ACMG Guidelines, 2015. Collection method: clinical testing. Allele origin: germline.

Baylor Genetics
Classification: Pathogenic for Primary hyperoxaluria, type II. Last evaluated: 2024-02-19. Review status: criteria provided, single submitter. Criteria: ACMG Guidelines, 2015. Collection method: clinical testing. Allele origin: unknown.

Women's Health and Genetics/Laboratory Corporation of America, LabCorp
Classification: Likely pathogenic for Primary hyperoxaluria, type II. Last evaluated: 2023-12-15. Review status: criteria provided, single submitter. Criteria: LabCorp Variant Classification Summary - May 2015. Collection method: clinical testing. Allele origin: germline.
Comment: Variant summary: GRHPR c.735-1G>A is located in a canonical splice-site and is predicted to affect mRNA splicing resulting in a significantly altered protein due to either exon skipping, shortening, or inclusion of intronic material. Several computational tools predict a significant impact on normal splicing: Four predict the variant abolishes a 3' acceptor site. Three predict the variant creates a new cryptic exonic 3' acceptor site. However, these predictions have yet to be confirmed by functional studies. The variant allele was found at a frequency of 1.6e-05 in 251356 control chromosomes (gnomAD). c.735-1G>A has been reported in the literature in individuals affected with Primary Hyperoxaluria Type 2 (example, Webster_2000, Pinapala_2017). These data indicate that the variant may be associated with disease. To our knowledge, no experimental evidence demonstrating an impact on protein function has been reported. The following publications have been ascertained in the context of this evaluation (PMID: 14987413, 28553045, 11030416). Four clinical diagnostic laboratories have submitted clinical-significance assessments for this variant to ClinVar after 2014 (Likely pathogenic, n=2; Pathogenic, n=2). Based on the evidence outlined above, the variant was classified as likely pathogenic.

Labcorp Genetics (formerly Invitae), Labcorp
Classification: Pathogenic. Last evaluated: 2023-11-28. Review status: criteria provided, single submitter. Criteria: Invitae Variant Classification Sherloc (09022015). Collection method: clinical testing. Allele origin: germline.
Comment: This sequence change affects an acceptor splice site in intron 7 of the GRHPR gene. It is expected to disrupt RNA splicing. Variants that disrupt the donor or acceptor splice site typically lead to a loss of protein function (PMID: 16199547), and loss-of-function variants in GRHPR are known to be pathogenic (PMID: 25644115). This variant is present in population databases (rs180177317, gnomAD 0.01%). Disruption of this splice site has been observed in individuals with GRHPR-related conditions (PMID: 11030416, 28553045). ClinVar contains an entry for this variant (Variation ID: 204244). Algorithms developed to predict the effect of sequence changes on RNA splicing suggest that this variant may disrupt the consensus splice site. For these reasons, this variant has been classified as Pathogenic.

Neuberg Centre For Genomic Medicine, NCGM
Classification: Pathogenic for Primary hyperoxaluria, type II. Last evaluated: 2023-06-22. Review status: criteria provided, single submitter. Criteria: ACMG Guidelines, 2015. Collection method: clinical testing. Allele origin: germline. Inheritance: Autosomal recessive inheritance. Affected: yes.
Comment: The splice acceptor variant c.735-1G>A in the GRHPR gene which is located in a canonical splice-site has been reported previously in individuals affected with primary hyperoxaluria (Danpure et al., 2004; Pinapala et al., 2017). This sequence change affects an acceptor splice site in intron 7 of the GRHPR gene. This variant is reported with the allele frequency (0.001%) in the gnomAD Exomes. It is submitted to ClinVar as Likely Pathogenic/Pathogenic. For these reasons, this variant has been classified as Pathogenic.

Revvity Omics, Revvity
Classification: Pathogenic for Primary hyperoxaluria, type II. Last evaluated: 2023-06-21. Review status: criteria provided, single submitter. Criteria: ACMG Guidelines, 2015. Collection method: clinical testing. Allele origin: germline.

Blueprint Genetics
Classification: Likely pathogenic for GRHPR-related disorders. Last evaluated: 2021-08-25. Review status: criteria provided, single submitter. Criteria: ACMG Guidelines, 2015. Collection method: clinical testing. Allele origin: germline. Affected: yes. Observed: 2 variant alleles.

Counsyl
Classification: Likely pathogenic for Primary hyperoxaluria, type II. Last evaluated: 2016-04-21. Review status: no assertion criteria provided. Collection method: clinical testing. Allele origin: unknown. Not counted in ClinVar's aggregate classification.

Clinical Biochemistry Laboratory, Health Services Laboratory
Classification: Pathogenic for Primary hyperoxaluria, type II. Last evaluated: 2014-11-27. Review status: no assertion criteria provided. Collection method: research. Allele origin: germline. Affected: yes. Not counted in ClinVar's aggregate classification.

Literature cited by the submitters: PMC PMC5434691 (cited by Kasturba Medical College, Manipal, Kasturba Medical College, Manipal, Manipal Academy of Higher Education, Manipal, India); PubMed 11030416 (cited by 6 submitters); PubMed 40794449 (cited by Rare Kidney Stone Consortium and the Mayo Clinic Hyperoxaluria Center, Mayo Clinic); PubMed 37914965 (cited by Natera, Inc.); PubMed 37187295 (cited by Natera, Inc.); PubMed 14987413 (cited by Women's Health and Genetics/Laboratory Corporation of America, LabCorp); PubMed 28553045 (cited by Women's Health and Genetics/Laboratory Corporation of America, LabCorp and Labcorp Genetics (formerly Invitae), Labcorp); PubMed 16199547 (cited by Labcorp Genetics (formerly Invitae), Labcorp); PubMed 25644115 (cited by Labcorp Genetics (formerly Invitae), Labcorp).

NM_012203.2(GRHPR):c.735-1G>A

Gene: GRHPR (glyoxylate and hydroxypyruvate reductase; plus strand). Cytogenetic location: 9p13.2.
Variant type: single nucleotide variant.
Coding change: c.735-1G>A on transcript NM_012203.2 (MANE Select); the canonical splice acceptor site of the intron before coding-DNA position 735, G replaced by A.
Molecular consequence: splice acceptor variant.
Genome position (GRCh38, 1-based): chr9:37,432,007, G>A. VCF-style: chr9-37432007-G-A. GRCh37 (hg19) VCF-style: chr9-37432004-G-A.
Identifiers: ClinVar variation 204244 (VCV000204244.29), dbSNP rs180177317, ClinGen allele CA275906.
Genomic context (GRCh38, chr9:37,432,007, plus strand): 5'-CTCAAAGGTGGCCTGGGCGGAGGGATCTTCGGGGTACCCATGTCACCACTGTCATTCCCA[G>A]GGGCGACGTCGTAAACCAGGACGACCTGTACCAGGCCTTGGCCAGTGGTAAGATTGCAGC-3'